The following is an entry in ClinVar:

ClinVar aggregate classification (germline): Uncertain significance. Review status: criteria provided, multiple submitters, no conflicts (2 of 4 stars). 5 submissions from 5 submitters: Uncertain significance (5). Last evaluated 2025-01-06.

Conditions:
Joubert syndrome 1 (JBTS1). Also called: Cerebellooculorenal syndrome 1; CEREBELLOPARENCHYMAL DISORDER IV. Identifiers: MedGen C4551568, MONDO:0008944, OMIM 213300.
Joubert syndrome. Also called: JOUBERT-BOLTSHAUSER SYNDROME; Familial aplasia of the vermis. Identifiers: Orphanet 475, MedGen C5979921, MONDO:0018772.
Joubert syndrome 3 (JBTS3). Also called: AHI1-related Ciliopathy. Identifiers: Orphanet 220493, MedGen C1837713, MONDO:0012078, OMIM 608629.

Allele frequency attached by ClinVar (database versions not stated): TOPMed 0.00001.
gnomAD v4.1: 11 of 1,611,136 alleles (0.00068%); highest among the groups gnomAD compares: Middle Eastern, 0.033%; no homozygotes.

Submissions (5):

Labcorp Genetics (formerly Invitae), Labcorp
Classification: Uncertain significance for Joubert syndrome. Last evaluated: 2025-01-06. Review status: criteria provided, single submitter. Criteria: Invitae Variant Classification Sherloc (09022015). Collection method: clinical testing. Allele origin: germline.
Comment: This sequence change replaces arginine, which is basic and polar, with proline, which is neutral and non-polar, at codon 610 of the AHI1 protein (p.Arg610Pro). This variant is present in population databases (rs374009466, gnomAD 0.0009%). This missense change has been observed in individuals with Joubert syndrome or retinitis pigmentosa (PMID: 32865313, 37798099). ClinVar contains an entry for this variant (Variation ID: 802272). Invitae Evidence Modeling of protein sequence and biophysical properties (such as structural, functional, and spatial information, amino acid conservation, physicochemical variation, residue mobility, and thermodynamic stability) has been performed for this missense variant. However, the output from this modeling did not meet the statistical confidence thresholds required to predict the impact of this variant on AHI1 protein function. In summary, the available evidence is currently insufficient to determine the role of this variant in disease. Therefore, it has been classified as a Variant of Uncertain Significance.

Mendelics
Classification: Uncertain significance for Joubert syndrome 1. Last evaluated: 2023-12-21. Review status: criteria provided, single submitter. Criteria: Mendelics Assertion Criteria 2017. Collection method: clinical testing. Allele origin: unknown.

Blueprint Genetics
Classification: Uncertain significance. Last evaluated: 2023-10-06. Review status: criteria provided, single submitter. Criteria: ACMG Guidelines, 2015. Collection method: clinical testing. Allele origin: germline.

Women's Health and Genetics/Laboratory Corporation of America, LabCorp
Classification: Uncertain significance. Last evaluated: 2022-08-02. Review status: criteria provided, single submitter. Criteria: LabCorp Variant Classification Summary - May 2015. Collection method: clinical testing. Allele origin: germline.
Comment: Variant summary: AHI1 c.1829G>C (p.Arg610Pro) results in a non-conservative amino acid change in the encoded protein sequence. Three of five in-silico tools predict a damaging effect of the variant on protein function. The variant allele was found at a frequency of 8.2e-06 in 245144 control chromosomes (gnomAD). The available data on variant occurrences in the general population are insufficient to allow any conclusion about variant significance. c.1829G>C has been reported in the literature in at least one compound heterozygous individual affected with Joubert Syndrome, who carried a (likely) pathogenic variant in trans (Sallum_2020), however, authors of the study reported the c.1829G>C variant as a VUS. This report does not provide unequivocal conclusions about association of the variant with Joubert Syndrome and Related Disorders. To our knowledge, no experimental evidence demonstrating an impact on protein function has been reported. Two clinical diagnostic laboratories have submitted clinical-significance assessments for this variant to ClinVar after 2014. One laboratory classified the variant as likely pathogenic, and one laboratory classified the variant as VUS. Based on the evidence outlined above, the variant was classified as uncertain significance.

Victorian Clinical Genetics Services, Murdoch Childrens Research Institute
Classification: Uncertain significance for Joubert syndrome 3. Last evaluated: 2021-05-06. Review status: criteria provided, single submitter. Criteria: ACMG Guidelines, 2015. Collection method: clinical testing. Allele origin: germline. Inheritance: Autosomal recessive inheritance.
Comment: Based on the classification scheme VCGS_Germline_v1.3.4, this variant is classified as VUS-3A. Following criteria are met: 0102 - Loss of function is a known mechanism of disease in this gene and is associated with Joubert syndrome 3 (MIM#608629). (I) 0106 - This gene is associated with autosomal recessive disease. (I) 0200 - Variant is predicted to result in a missense amino acid change from arginine to proline. (I) 0251 - This variant is heterozygous. (I) 0304 - Variant is present in gnomAD (v2) <0.01 for a recessive condition (2 heterozygotes, 0 homozygotes). (SP) 0309 - An alternative amino acid change at the same position has been observed in gnomAD (v2) (79 heterozygotes, 0 homozygotes). (I) 0502 - Missense variant with conflicting in silico predictions and uninformative conservation. (I) 0600 - Variant is located in the annotated WD repeat 1 (Uniprot). (I) 0708 - Another missense variant comparable to the one identified in this case has conflicting previous evidence for pathogenicity. A different variant in the same codon resulting in a change to a glutamine has been reported once as VUS (LOVD) and also once as likely benign (ClinVar). (I) 0803 - This variant has limited previous evidence of pathogenicity in an unrelated individual with Joubert syndrome (ClinVar). (SP) 0905 - No published segregation evidence has been identified for this variant. (I) 1007 - No published functional evidence has been identified for this variant. (I) Legend: (SP) - Supporting pathogenic, (I) - Information, (SB) - Supporting benign

Literature cited by the submitters: PubMed 32865313 (cited by Labcorp Genetics (formerly Invitae), Labcorp and Women's Health and Genetics/Laboratory Corporation of America, LabCorp); PubMed 37798099 (cited by Labcorp Genetics (formerly Invitae), Labcorp).

NM_001134831.2(AHI1):c.1829G>C (p.Arg610Pro)

Gene: AHI1 (Abelson helper integration site 1; minus strand). Cytogenetic location: 6q23.3.
Variant type: single nucleotide variant.
Coding change: c.1829G>C on transcript NM_001134831.2 (MANE Select); coding-DNA position 1829, G replaced by C.
Protein change: p.Arg610Pro; replaces arginine 610 with proline.
Molecular consequence: missense variant.
Genome position (GRCh38, 1-based): chr6:135,442,665, C>G on the plus strand (G>C on the coding strand, the complement: AHI1 is on the minus strand). VCF-style: chr6-135442665-C-G. GRCh37 (hg19) VCF-style: chr6-135763803-C-G.
Other names: c.1829G>C (NM_001134831.1); c.1829G>C, p.Arg610Pro (NM_001134830.2, NM_001134832.2, NM_001350503.2 and 2 more transcripts); short protein forms R610P.
Identifiers: ClinVar variation 802272 (VCV000802272.9), dbSNP rs374009466, ClinGen allele CA4012500.